The following is an entry in ClinVar:

ClinVar aggregate classification (germline): Benign (1 of 4 stars; one submission).

Conditions:
Nail-patella syndrome (NPS). Also called: FONG DISEASE; ONYCHOOSTEODYSPLASIA; TURNER-KIESER SYNDROME. Identifiers: Orphanet 2614, MedGen C0027341, MONDO:0008061, OMIM 161200.

Allele frequency attached by ClinVar (database versions not stated): gnomAD 0.00015 and 0.00017; TOPMed 0.00022; 1000 Genomes Project 0.00040; 1000 Genomes Project 30x 0.00078.

Submission:

Illumina Laboratory Services, Illumina
Classification: Benign for Nail-patella syndrome. Last evaluated: 2018-01-12. Review status: criteria provided, single submitter. Criteria: ICSL Variant Classification Criteria 13 December 2019. Collection method: clinical testing. Allele origin: germline.
Comment: This variant was observed in the ICSL laboratory as part of a predisposition screen in an ostensibly healthy population. It had not been previously curated by ICSL or reported in the Human Gene Mutation Database (HGMD: prior to June 1st, 2018), and was therefore a candidate for classification through an automated scoring system. Utilizing variant allele frequency, disease prevalence and penetrance estimates, and inheritance mode, an automated score was calculated to assess if this variant is too frequent to cause the disease. Based on the score and internal cut-off values, a variant classified as benign is not then subjected to further curation. The score for this variant resulted in a classification of benign for this disease.

NM_001174147.2(LMX1B):c.*2966G>A

Gene: LMX1B (LIM homeobox transcription factor 1 beta; plus strand). Cytogenetic location: 9q33.3.
Variant type: single nucleotide variant.
Coding change: c.*2966G>A on transcript NM_001174147.2 (MANE Select); 2966 bases downstream of the stop codon, G replaced by A.
Molecular consequence: 3 prime UTR variant.
Genome position (GRCh38, 1-based): chr9:126,699,417, G>A. VCF-style: chr9-126699417-G-A. GRCh37 (hg19) VCF-style: chr9-129461696-G-A.
Other names: c.*2966G>A (NM_001174146.2, NM_002316.4).
Identifiers: ClinVar variation 364960 (VCV000364960.5), dbSNP rs191951894, ClinGen allele CA10632477.
Genomic context (GRCh38, chr9:126,699,417, plus strand): 5'-TGCCAGCTGTTGGGGTCACATATTCCCATTCTGGGGCCTCACAAACCCCCGAATCCAGCC[G>A]GGACCCCATGCCAGGAGCTGGTCTAGGGACAGCATGCTTGTGACCCACAGACTGTTAAAG-3'